The following is an entry in ClinVar:

NM_002691.4(POLD1):c.226G>A (p.Asp76Asn)

Gene: POLD1 (DNA polymerase delta 1, catalytic subunit; plus strand). Cytogenetic location: 19q13.33.
Variant type: single nucleotide variant.
Coding change: c.226G>A on transcript NM_002691.4 (MANE Select); coding-DNA position 226, G replaced by A.
Protein change: p.Asp76Asn; replaces aspartic acid 76 with asparagine.
Molecular consequence: missense variant. On other transcripts: non-coding transcript variant (1).
Genome position (GRCh38, 1-based): chr19:50,399,394, G>A. VCF-style: chr19-50399394-G-A. GRCh37 (hg19) VCF-style: chr19-50902651-G-A.
Other names: c.226G>A, p.Asp76Asn (NM_001256849.1, NM_001308632.1); short protein forms D76N.
Identifiers: ClinVar variation 2836313 (VCV002836313.3), dbSNP rs1270501754, ClinGen allele CA406970419.

ClinVar aggregate classification (germline): Uncertain significance (1 of 4 stars; one submission).

Conditions:
POLD1-related polyposis and colorectal cancer syndrome (CRCS10). Also called: Colorectal cancer 10; COLORECTAL CANCER, SUSCEPTIBILITY TO, ON CHROMOSOME 19q; Colorectal cancer, susceptibility to, 10. Identifiers: Orphanet 220460, MedGen C2675481, MONDO:0012953, OMIM 612591.

Submission:

Labcorp Genetics (formerly Invitae), Labcorp
Classification: Uncertain significance for POLD1-related polyposis and colorectal cancer syndrome. Last evaluated: 2023-02-11. Review status: criteria provided, single submitter. Criteria: Invitae Variant Classification Sherloc (09022015). Collection method: clinical testing. Allele origin: germline.
Comment: This sequence change replaces aspartic acid, which is acidic and polar, with asparagine, which is neutral and polar, at codon 76 of the POLD1 protein (p.Asp76Asn). This variant is not present in population databases (gnomAD no frequency). This variant has not been reported in the literature in individuals affected with POLD1-related conditions. Advanced modeling of protein sequence and biophysical properties (such as structural, functional, and spatial information, amino acid conservation, physicochemical variation, residue mobility, and thermodynamic stability) performed at Invitae indicates that this missense variant is not expected to disrupt POLD1 protein function. In summary, the available evidence is currently insufficient to determine the role of this variant in disease. Therefore, it has been classified as a Variant of Uncertain Significance.